The following is an entry in ClinVar:

ClinVar aggregate classification (germline): Benign/Likely benign. Review status: criteria provided, multiple submitters, no conflicts (2 of 4 stars). 4 submissions from 4 submitters: Benign (2); Likely benign (2). Last evaluated 2026-09-01.

Conditions:
Hereditary spastic paraplegia 7 (SPG7). Also called: Spastic paraplegia 7; Hereditary spastic paraplegia Paraplegin type; Autosomal recessive spastic paraplegia type 7; SPASTIC PARAPLEGIA 7, AUTOSOMAL RECESSIVE, WITH OR WITHOUT CEREBELLAR ATAXIA; SPG7-related neurologic disorder. Identifiers: Orphanet 99013, MedGen C1846564, MONDO:0011803, OMIM 607259.

Submissions (4):

CeGaT Center for Human Genetics Tuebingen
Classification: Likely benign. Last evaluated: 2026-09-01. Review status: criteria provided, single submitter. Criteria: CeGaT Center For Human Genetics Tuebingen Variant Classification Criteria Version 2. Collection method: clinical testing. Allele origin: germline. Affected: yes. Observed: 3 variant alleles.
Comment: SPG7: PP3, BS2

Labcorp Genetics (formerly Invitae), Labcorp
Classification: Benign for Hereditary spastic paraplegia 7. Last evaluated: 2025-11-25. Review status: criteria provided, single submitter. Criteria: Invitae Variant Classification Sherloc (09022015). Collection method: clinical testing. Allele origin: germline.

Mayo Clinic Laboratories, Mayo Clinic
Classification: Benign. Last evaluated: 2023-10-19. Review status: criteria provided, single submitter. Criteria: ACMG Guidelines, 2015. Collection method: clinical testing. Allele origin: germline. Observed: 6 variant alleles.
Comment: BS1, BS2

GeneDx
Classification: Likely benign. Last evaluated: 2020-10-07. Review status: criteria provided, single submitter. Criteria: GeneDx Variant Classification Process June 2021. Collection method: clinical testing. Allele origin: germline. Affected: yes.
Comment: This variant is associated with the following publications: (PMID: 22964162)

Literature cited by the submitters: PubMed 22964162 (cited by Mayo Clinic Laboratories, Mayo Clinic).

NM_003119.4(SPG7):c.618+11_618+68del

Gene: SPG7 (SPG7 matrix AAA peptidase subunit, paraplegin; plus strand). Cytogenetic location: 16q24.3.
Variant type: Deletion.
Coding change: c.618+11_618+68del on transcript NM_003119.4 (MANE Select); bases 11 to 68 of the intron after coding-DNA position 618, 58 bases deleted.
Molecular consequence: intron variant.
Genome position (GRCh38, 1-based): chr16:89,524,258-89,524,315, 58 bases deleted. GRCh37 (hg19): chr16:89,590,666-89,590,723.
Other names: p.?; c.618+11_618+68del (NM_001363850.1, NM_199367.3).
Identifiers: ClinVar variation 215504 (VCV000215504.36), dbSNP rs1555611542, ClinGen allele CA338695.